The following is an entry in ClinVar:

ClinVar aggregate classification (germline): Uncertain significance (1 of 4 stars; one submission).

Submission:

Labcorp Genetics (formerly Invitae), Labcorp
Classification: Uncertain significance. Last evaluated: 2025-08-18. Review status: criteria provided, single submitter. Criteria: Invitae Variant Classification Sherloc (09022015). Collection method: clinical testing. Allele origin: germline.
Comment: This sequence change replaces glycine, which is neutral and non-polar, with aspartic acid, which is acidic and polar, at codon 1842 of the ABCA4 protein (p.Gly1842Asp). This variant is not present in population databases (gnomAD no frequency). This variant has not been reported in the literature in individuals affected with ABCA4-related conditions. ClinVar contains an entry for this variant (Variation ID: 1474453). Invitae Evidence Modeling of protein sequence and biophysical properties (such as structural, functional, and spatial information, amino acid conservation, physicochemical variation, residue mobility, and thermodynamic stability) indicates that this missense variant is expected to disrupt ABCA4 protein function with a positive predictive value of 95%. In summary, the available evidence is currently insufficient to determine the role of this variant in disease. Therefore, it has been classified as a Variant of Uncertain Significance.

NM_000350.3(ABCA4):c.5525G>A (p.Gly1842Asp)

Gene: ABCA4 (ATP binding cassette subfamily A member 4; minus strand). Cytogenetic location: 1p22.1.
Variant type: single nucleotide variant.
Coding change: c.5525G>A on transcript NM_000350.3 (MANE Select); coding-DNA position 5525, G replaced by A.
Protein change: p.Gly1842Asp; replaces glycine 1842 with aspartic acid.
Molecular consequence: missense variant.
Genome position (GRCh38, 1-based): chr1:94,011,321, C>T on the plus strand (G>A on the coding strand, the complement: ABCA4 is on the minus strand). VCF-style: chr1-94011321-C-T. GRCh37 (hg19) VCF-style: chr1-94476877-C-T.
Other names: c.5303G>A, p.Gly1768Asp (NM_001425324.1); short protein forms G1842D, G1768D.
Identifiers: ClinVar variation 1474453 (VCV001474453.8), dbSNP rs2101008402, ClinGen allele CA341281082.
Genomic context (GRCh38, chr1:94,011,321, plus strand): 5'-CCAAACCGGGCATAGACATCTGTCACAGCCTGGCTCAGTGCAAGGTCAATGAGGCCCCGG[C>T]CCAGGCAGAAGTGGGGGAAGACAATGAGCAGCTTCCTCAGCACGGCGTTGAACCTGAGCA-3'
Protein context (NP_000341.2, residues 1832-1852): LLIVFPHFCL[Gly1842Asp]RGLIDLALSQ